The following is an entry in ClinVar:

NM_024675.4(PALB2):c.1560C>T (p.Cys520=)

Gene: PALB2 (partner and localizer of BRCA2; minus strand). Cytogenetic location: 16p12.2.
Variant type: single nucleotide variant.
Coding change: c.1560C>T on transcript NM_024675.4 (MANE Select); coding-DNA position 1560, C replaced by T.
Protein change: p.Cys520=; no amino-acid change (cysteine 520 retained).
Molecular consequence: synonymous variant. On other transcripts: intron variant (3).
Genome position (GRCh38, 1-based): chr16:23,634,986, G>A on the plus strand (C>T on the coding strand, the complement: PALB2 is on the minus strand). VCF-style: chr16-23634986-G-A. GRCh37 (hg19) VCF-style: chr16-23646307-G-A.
Other names: c.1500C>T, p.Cys500= (NM_001407296.1); c.1560C>T, p.Cys520= (NM_001407297.1, NM_001407298.1, NM_001407299.1 and 3 more transcripts); c.675C>T, p.Cys225= (NM_001407304.1, NM_001407305.1, NM_001407306.1 and 5 more transcripts); c.49-5711C>T (NM_001407314.1); c.-104-4517C>T (NM_001407313.1, NM_001407312.1).
Identifiers: ClinVar variation 3227992 (VCV003227992.4), dbSNP rs2142412586, ClinGen allele CA494461279.
Genomic context (GRCh38, chr16:23,634,986, plus strand): 5'-GTTAACAATCGACAGGCTAGAAGTTGGCAAAAGTGGTTCACAATGATCTGATGCTGGGGT[G>A]CAGGCTGATTTTCTTTTTCCTGTGTATCTTCTACCAGGTGCTTGGGCAACTGCCTTCCTA-3'
Protein context (NP_078951.2, residues 510-530): RRYTGKRKSA[Cys520=]TPASDHCEPL

ClinVar aggregate classification (germline): Benign/Likely benign. Review status: criteria provided, multiple submitters, no conflicts (2 of 4 stars). 3 submissions from 3 submitters: Benign (1); Likely benign (2). Last evaluated 2025-04-27.

Conditions:
Familial cancer of breast. Also called: BREAST CANCER, FAMILIAL; Hereditary breast cancer; hereditary breast carcinoma. Identifiers: Orphanet 227535, MedGen C0346153, MONDO:0016419, OMIM 114480. Disease mechanism: loss of function.
Hereditary cancer-predisposing syndrome. Also called: Neoplastic Syndromes, Hereditary; Tumor predisposition; Hereditary neoplastic syndrome; Hereditary Cancer Syndrome. Identifiers: Orphanet 140162, MedGen C0027672, MeSH D009386, MONDO:0015356.

Submissions (3):

Women's Health and Genetics/Laboratory Corporation of America, LabCorp
Classification: Likely benign. Last evaluated: 2025-04-27. Review status: criteria provided, single submitter. Criteria: LabCorp Variant Classification Summary - May 2015. Collection method: clinical testing. Allele origin: germline.

Myriad Genetics, Inc.
Classification: Benign for Familial cancer of breast. Last evaluated: 2025-01-14. Review status: criteria provided, single submitter. Criteria: Myriad Autosomal Dominant, Autosomal Recessive and X-Linked Classification Criteria (2023). Collection method: clinical testing. Allele origin: unknown.
Comment: This variant is considered benign. This variant is a silent/synonymous amino acid change and it is not expected to impact splicing.

Ambry Genetics
Classification: Likely benign for Hereditary cancer-predisposing syndrome. Last evaluated: 2023-09-18. Review status: criteria provided, single submitter. Criteria: Ambry Variant Classification Scheme 2023. Collection method: clinical testing. Allele origin: germline.